The following is an entry in ClinVar:

ClinVar aggregate classification (germline): Likely pathogenic (1 of 4 stars; one submission).

Submission:

GeneDx
Classification: Likely pathogenic. Last evaluated: 2017-01-27. Review status: criteria provided, single submitter. Criteria: GeneDx Variant Classification (06012015). Collection method: clinical testing. Allele origin: germline. Affected: yes.
Comment: The S202R variant has not been published as a pathogenic variant, nor has it been reported as a benign variant to our knowledge. A different missense substitution at the same position (S202N) has been reported in an individual with hereditary spastic paraplegia; however, segregation analysis was not completed (Crimella et al., 2012). The S202R variant is not observed in large population cohorts (Lek et al., 2016; 1000 Genomes Consortium et al., 2015; Exome Variant Server). The S202R variant is a semi-conservative amino acid substitution, which may impact secondary protein structure as these residues differ in some properties. Additionally, this substitution occurs at a position that is conserved across species, and in silico analysis predicts this variant is probably damaging to the protein structure/function. Furthermore, missense variants in nearby residues (M198T, S203C, R204W/Q) have been reported in the Human Gene Mutation Database in association with spastic paraplegia (Stenson et al., 2014), supporting the functional importance of this region of the protein. Based on the currently available information, it is unclear whether this variant is a pathogenic variant or a rare benign variant.

NM_004984.4(KIF5A):c.604A>C (p.Ser202Arg)

Gene: KIF5A (kinesin family member 5A; plus strand). Cytogenetic location: 12q13.3.
Variant type: single nucleotide variant.
Coding change: c.604A>C on transcript NM_004984.4 (MANE Select); coding-DNA position 604, A replaced by C.
Protein change: p.Ser202Arg; replaces serine 202 with arginine.
Molecular consequence: missense variant.
Genome position (GRCh38, 1-based): chr12:57,567,508, A>C. VCF-style: chr12-57567508-A-C. GRCh37 (hg19) VCF-style: chr12-57961291-A-C.
Other names: c.337A>C, p.Ser113Arg (NM_001354705.2); short protein forms S202R, S113R.
Identifiers: ClinVar variation 391690 (VCV000391690.2), dbSNP rs1057524193, ClinGen allele CA16606674.